The following is an entry in ClinVar:

NM_021942.6(TRAPPC11):c.1923A>C (p.Glu641Asp)

Gene: TRAPPC11 (trafficking protein particle complex subunit 11; plus strand). Cytogenetic location: 4q35.1.
Variant type: single nucleotide variant.
Coding change: c.1923A>C on transcript NM_021942.6 (MANE Select); coding-DNA position 1923, A replaced by C.
Protein change: p.Glu641Asp; replaces glutamic acid 641 with aspartic acid.
Molecular consequence: missense variant.
Genome position (GRCh38, 1-based): chr4:183,691,345, A>C. VCF-style: chr4-183691345-A-C. GRCh37 (hg19) VCF-style: chr4-184612498-A-C.
Other names: c.1923A>C, p.Glu641Asp (NM_199053.3); short protein forms E641D.
Identifiers: ClinVar variation 1040146 (VCV001040146.9), dbSNP rs772936022, ClinGen allele CA3152056.

ClinVar aggregate classification (germline): Uncertain significance (1 of 4 stars; one submission).

Conditions:
Autosomal recessive limb-girdle muscular dystrophy type R18 (LGMDR18). Also called: MUSCULAR DYSTROPHY, LIMB-GIRDLE, AUTOSOMAL RECESSIVE 18; Autosomal recessive limb-girdle muscular dystrophy type 2S; Limb-girdle muscular dystrophy, type 2S. Identifiers: Orphanet 369840, MedGen C4517996, MONDO:0014144, OMIM 615356.

Allele frequency attached by ClinVar (database versions not stated): gnomAD exomes 0.00001; ExAC 0.00002.
gnomAD v4.1: 2 of 1,553,586 alleles (0.00013%); highest among the groups gnomAD compares: Non-Finnish European, 0.00018%; no homozygotes.

Submission:

Labcorp Genetics (formerly Invitae), Labcorp
Classification: Uncertain significance for Autosomal recessive limb-girdle muscular dystrophy type R18. Last evaluated: 2020-05-24. Review status: criteria provided, single submitter. Criteria: Invitae Variant Classification Sherloc (09022015). Collection method: clinical testing. Allele origin: germline.
Comment: This variant is present in population databases (rs772936022, ExAC 0.005%). This sequence change replaces glutamic acid with aspartic acid at codon 641 of the TRAPPC11 protein (p.Glu641Asp). The glutamic acid residue is moderately conserved and there is a small physicochemical difference between glutamic acid and aspartic acid. This variant has not been reported in the literature in individuals with TRAPPC11-related conditions. In summary, the available evidence is currently insufficient to determine the role of this variant in disease. Therefore, it has been classified as a Variant of Uncertain Significance. Algorithms developed to predict the effect of missense changes on protein structure and function output the following: SIFT: "Tolerated"; PolyPhen-2: "Possibly Damaging"; Align-GVGD: "Class C0". The aspartic acid amino acid residue is found in multiple mammalian species, suggesting that this missense change does not adversely affect protein function. These predictions have not been confirmed by published functional studies and their clinical significance is uncertain.